The following is an entry in ClinVar:

ClinVar aggregate classification (germline): Uncertain significance. Review status: criteria provided, multiple submitters, no conflicts (2 of 4 stars). 3 submissions from 3 submitters: Uncertain significance (2). 1 of the submissions does not count toward it. Last evaluated 2026-02-23.

Conditions:
NIPBL-related disorder. Also called: NIPBL-related condition.
Inborn genetic diseases. Identifiers: MedGen C0950123, MeSH D030342.
Cornelia de Lange syndrome 1 (CDLS1). Also called: TYPUS DEGENERATIVUS AMSTELODAMENSIS; Brachmann de Lange syndrome; NIPBL-Related Cornelia de Lange Syndrome. Identifiers: Orphanet 199, MedGen C4551851, MONDO:0007387, OMIM 122470.

Allele frequency attached by ClinVar (database versions not stated): gnomAD exomes 0.00001.
gnomAD v4.1: 6 of 1,613,944 alleles (0.00037%); highest among the groups gnomAD compares: Non-Finnish European, 0.00051%; no homozygotes.

Submissions (3):

Ambry Genetics
Classification: Uncertain significance for Inborn genetic diseases. Last evaluated: 2026-02-23. Review status: criteria provided, single submitter. Criteria: Ambry Variant Classification Scheme 2023. Collection method: clinical testing. Allele origin: germline.
Comment: The c.7745G>A (p.R2582Q) alteration is located in exon 45 (coding exon 44) of the NIPBL gene. This alteration results from a G to A substitution at nucleotide position 7745, causing the arginine (R) at amino acid position 2582 to be replaced by a glutamine (Q). Based on data from gnomAD, the A allele has an overall frequency of <0.001% (1/251236) total alleles studied. The highest observed frequency was 0.001% (1/113608) of European (non-Finnish) alleles. Based on insufficient or conflicting evidence, the clinical significance of this alteration remains unclear.

Fulgent Genetics
Classification: Uncertain significance for Cornelia de Lange syndrome 1. Last evaluated: 2024-04-04. Review status: criteria provided, single submitter. Criteria: ACMG Guidelines, 2015. Collection method: clinical testing. Allele origin: germline.

PreventionGenetics, part of Exact Sciences
Classification: Uncertain significance for NIPBL-related condition. Last evaluated: 2024-02-29. Review status: no assertion criteria provided. Collection method: clinical testing. Allele origin: germline. Not counted in ClinVar's aggregate classification.
Comment: The NIPBL c.7745G>A variant is predicted to result in the amino acid substitution p.Arg2582Gln. To our knowledge, this variant has not been reported in the literature. This variant is reported in 0.00088% of alleles in individuals of European (Non-Finnish) descent in gnomAD. At this time, the clinical significance of this variant is uncertain due to the absence of conclusive functional and genetic evidence.

NM_133433.4(NIPBL):c.7745G>A (p.Arg2582Gln)

Gene: NIPBL (NIPBL cohesin loading factor; plus strand). Cytogenetic location: 5p13.2.
Variant type: single nucleotide variant.
Coding change: c.7745G>A on transcript NM_133433.4 (MANE Select); coding-DNA position 7745, G replaced by A.
Protein change: p.Arg2582Gln; replaces arginine 2582 with glutamine.
Molecular consequence: missense variant.
Genome position (GRCh38, 1-based): chr5:37,060,903, G>A. VCF-style: chr5-37060903-G-A. GRCh37 (hg19) VCF-style: chr5-37061005-G-A.
Other names: c.7745G>A, p.Arg2582Gln (NM_015384.5); short protein forms R2582Q.
Identifiers: ClinVar variation 3047965 (VCV003047965.4), dbSNP rs1561227446, ClinGen allele CA359518538.